The following is an entry in ClinVar:

NM_012463.4(ATP6V0A2):c.576G>T (p.Leu192Phe)

Gene: ATP6V0A2 (ATPase H+ transporting V0 subunit a2; plus strand). Cytogenetic location: 12q24.31.
Variant type: single nucleotide variant.
Coding change: c.576G>T on transcript NM_012463.4 (MANE Select); coding-DNA position 576, G replaced by T.
Protein change: p.Leu192Phe; replaces leucine 192 with phenylalanine.
Molecular consequence: missense variant.
Genome position (GRCh38, 1-based): chr12:123,727,837, G>T. VCF-style: chr12-123727837-G-T. GRCh37 (hg19) VCF-style: chr12-124212384-G-T.
Other names: short protein forms L192F.
Identifiers: ClinVar variation 1308990 (VCV001308990.3), dbSNP rs780455437, ClinGen allele CA6861667.
Genomic context (GRCh38, chr12:123,727,837, plus strand): 5'-TCACAGATTTGTGTCTGGCCTAATTAACCAAGGAAAAGTGGAAGCATTTGAAAAAATGTT[G>T]TGGAGAGTCTGCAAAGGGTACACCATCGTGTCCTATGCAGAACTGGATGAATCCCTTGAA-3'
Protein context (NP_036595.2, residues 182-202): QGKVEAFEKM[Leu192Phe]WRVCKGYTIV

ClinVar aggregate classification (germline): Uncertain significance. Review status: criteria provided, multiple submitters, no conflicts (2 of 4 stars). 2 submissions from 2 submitters: Uncertain significance (2). Last evaluated 2025-02-27.

Conditions:
ALG9 congenital disorder of glycosylation (CDG1L). Also called: CDG Il; CONGENITAL DISORDER OF GLYCOSYLATION, TYPE Il; ALG9-CDG. Identifiers: Orphanet 79328, MedGen C2931006, MONDO:0012117, OMIM 608776.

Allele frequency attached by ClinVar (database versions not stated): gnomAD exomes below 0.00001; ExAC 0.00001; gnomAD 0.00001; TOPMed 0.00001.
gnomAD v4.1: 1 of 1,614,092 alleles (0.000062%); highest among the groups gnomAD compares: Non-Finnish European, 0.000085%; no homozygotes.

Submissions (2):

Labcorp Genetics (formerly Invitae), Labcorp
Classification: Uncertain significance for ALG9 congenital disorder of glycosylation. Last evaluated: 2025-02-27. Review status: criteria provided, single submitter. Criteria: Invitae Variant Classification Sherloc (09022015). Collection method: clinical testing. Allele origin: germline.
Comment: This sequence change replaces leucine, which is neutral and non-polar, with phenylalanine, which is neutral and non-polar, at codon 192 of the ATP6V0A2 protein (p.Leu192Phe). This variant is present in population databases (rs780455437, gnomAD 0.0009%). This variant has not been reported in the literature in individuals affected with ATP6V0A2-related conditions. ClinVar contains an entry for this variant (Variation ID: 1308990). Invitae Evidence Modeling of protein sequence and biophysical properties (such as structural, functional, and spatial information, amino acid conservation, physicochemical variation, residue mobility, and thermodynamic stability) indicates that this missense variant is expected to disrupt ATP6V0A2 protein function with a positive predictive value of 80%. In summary, the available evidence is currently insufficient to determine the role of this variant in disease. Therefore, it has been classified as a Variant of Uncertain Significance.

GeneDx
Classification: Uncertain significance. Last evaluated: 2019-10-04. Review status: criteria provided, single submitter. Criteria: GeneDx Variant Classification Process June 2021. Collection method: clinical testing. Allele origin: germline. Affected: yes.
Comment: Not observed at a significant frequency in large population cohorts (Lek et al., 2016); In silico analysis, which includes protein predictors and evolutionary conservation, supports a deleterious effect; Has not been previously published as pathogenic or benign to our knowledge